The following is an entry in ClinVar:

NM_032578.4(MYPN):c.3415C>T (p.Arg1139Cys)

Gene: MYPN (myopalladin; plus strand). Cytogenetic location: 10q21.3.
Variant type: single nucleotide variant.
Coding change: c.3415C>T on transcript NM_032578.4 (MANE Select); coding-DNA position 3415, C replaced by T.
Protein change: p.Arg1139Cys; replaces arginine 1139 with cysteine.
Molecular consequence: missense variant. On other transcripts: non-coding transcript variant (2).
Genome position (GRCh38, 1-based): chr10:68,199,497, C>T. VCF-style: chr10-68199497-C-T. GRCh37 (hg19) VCF-style: chr10-69959254-C-T.
Other names: c.3415C>T, p.Arg1139Cys (NM_001256267.2); c.2533C>T, p.Arg845Cys (NM_001256268.2); short protein forms R1139C, R845C.
Identifiers: ClinVar variation 1731203 (VCV001731203.10), dbSNP rs149412051, ClinGen allele CA5523036.

ClinVar aggregate classification (germline): Uncertain significance. Review status: criteria provided, multiple submitters, no conflicts (2 of 4 stars). 6 submissions from 6 submitters: Uncertain significance (6). Last evaluated 2026-05-31.

Conditions:
MYPN-related disorder. Also called: MYPN-related condition.
MYPN-related myopathy (CMYO24). Also called: Nemaline myopathy 11, autosomal recessive. Identifiers: MedGen C4479186, MONDO:0015023, OMIM 617336.
Dilated cardiomyopathy 1KK (CMD1KK). Identifiers: Orphanet 154, Orphanet 75249, MedGen C3714995, MONDO:0014100, OMIM 615248.
Cardiovascular phenotype. Identifiers: MedGen CN230736.
Primary familial hypertrophic cardiomyopathy (HCM). Identifiers: Orphanet 99739, MedGen C0949658, MeSH D024741, MONDO:0024573. Inheritance: Various modes of inheritance.

Allele frequency attached by ClinVar (database versions not stated): gnomAD 0.00001; ExAC 0.00002; TOPMed 0.00004; ESP Exome Variant Server 0.00023.
gnomAD v4.1: 16 of 1,613,990 alleles (0.00099%); highest among the groups gnomAD compares: African/African-American, 0.0027%; no homozygotes.

Submissions (6):

PreventionGenetics, part of Exact Sciences
Classification: Uncertain significance for MYPN-related condition. Last evaluated: 2026-05-31. Review status: criteria provided, single submitter. Criteria: ACMG Guidelines, 2015. Collection method: clinical testing. Allele origin: germline.
Comment: The MYPN c.3415C>T variant is predicted to result in the amino acid substitution p.Arg1139Cys. To our knowledge, this variant has not been reported in the literature. This variant is reported in 0.012% of alleles in individuals of African descent in gnomAD. At this time, the clinical significance of this variant is uncertain due to the absence of conclusive functional and genetic evidence.

Petrovsky National Research Centre of Surgery, The Federal Agency for Scientific Organizations
Classification: Uncertain significance for Primary familial hypertrophic cardiomyopathy. Last evaluated: 2025-11-17. Review status: criteria provided, single submitter. Criteria: ACMG Guidelines, 2015. Collection method: clinical testing. Allele origin: germline. Affected: yes. Observed: 1 variant allele.
Comment: The variant is in The Genome Aggregation Database (gnomAD) v4.1.0 with total 0.000009913. (Date of access 2025-11-17). In accordance with ACMG (2015) criteria this variant is classified as Uncertain significance with following criteria selected: PM2.

Ambry Genetics
Classification: Uncertain significance for Cardiovascular phenotype. Last evaluated: 2025-02-22. Review status: criteria provided, single submitter. Criteria: Ambry Variant Classification Scheme 2023. Collection method: clinical testing. Allele origin: germline.
Comment: The p.R1139C variant (also known as c.3415C>T), located in coding exon 16 of the MYPN gene, results from a C to T substitution at nucleotide position 3415. The arginine at codon 1139 is replaced by cysteine, an amino acid with highly dissimilar properties. This amino acid position is not well conserved in available vertebrate species. In addition, this alteration is predicted to be tolerated by in silico analysis. Since supporting evidence is limited at this time, the clinical significance of this alteration remains unclear.

Fulgent Genetics
Classification: Uncertain significance for Dilated cardiomyopathy 1KK; MYPN-related myopathy. Last evaluated: 2024-01-16. Review status: criteria provided, single submitter. Criteria: ACMG Guidelines, 2015. Collection method: clinical testing. Allele origin: germline.

GeneDx
Classification: Uncertain significance. Last evaluated: 2023-02-06. Review status: criteria provided, single submitter. Criteria: GeneDx Variant Classification Process June 2021. Collection method: clinical testing. Allele origin: germline. Affected: yes.
Comment: Has not been previously published as pathogenic or benign to our knowledge; Not observed at significant frequency in large population cohorts (gnomAD); In silico analysis supports that this missense variant has a deleterious effect on protein structure/function

Labcorp Genetics (formerly Invitae), Labcorp
Classification: Uncertain significance for Dilated cardiomyopathy 1KK. Last evaluated: 2022-08-20. Review status: criteria provided, single submitter. Criteria: Invitae Variant Classification Sherloc (09022015). Collection method: clinical testing. Allele origin: germline.
Comment: This sequence change replaces arginine, which is basic and polar, with cysteine, which is neutral and slightly polar, at codon 1139 of the MYPN protein (p.Arg1139Cys). This variant is present in population databases (rs149412051, gnomAD 0.01%). This variant has not been reported in the literature in individuals affected with MYPN-related conditions. Algorithms developed to predict the effect of missense changes on protein structure and function are either unavailable or do not agree on the potential impact of this missense change (SIFT: "Deleterious"; PolyPhen-2: "Benign"; Align-GVGD: "Class C0"). In summary, the available evidence is currently insufficient to determine the role of this variant in disease. Therefore, it has been classified as a Variant of Uncertain Significance.